The following is an entry in ClinVar:

NM_000234.3(LIG1):c.328C>T (p.Pro110Ser)

Gene: LIG1 (DNA ligase 1; minus strand). Cytogenetic location: 19q13.33.
Variant type: single nucleotide variant.
Coding change: c.328C>T on transcript NM_000234.3 (MANE Select); coding-DNA position 328, C replaced by T.
Protein change: p.Pro110Ser; replaces proline 110 with serine.
Molecular consequence: missense variant. On other transcripts: non-coding transcript variant (6).
Genome position (GRCh38, 1-based): chr19:48,157,056, G>A on the plus strand (C>T on the coding strand, the complement: LIG1 is on the minus strand). VCF-style: chr19-48157056-G-A. GRCh37 (hg19) VCF-style: chr19-48660313-G-A.
Other names: c.238C>T, p.Pro80Ser (NM_001289063.2, NM_001320971.2); c.328C>T, p.Pro110Ser (NM_001289064.2, NM_001320970.2); short protein forms P110S, P80S.
Identifiers: ClinVar variation 3627215 (VCV003627215.2).

ClinVar aggregate classification (germline): Uncertain significance (1 of 4 stars; one submission).

Submission:

Labcorp Genetics (formerly Invitae), Labcorp
Classification: Uncertain significance. Last evaluated: 2024-09-11. Review status: criteria provided, single submitter. Criteria: Invitae Variant Classification Sherloc (09022015). Collection method: clinical testing. Allele origin: germline.
Comment: This sequence change replaces proline, which is neutral and non-polar, with serine, which is neutral and polar, at codon 110 of the LIG1 protein (p.Pro110Ser). This variant is present in population databases (rs376771010, gnomAD 0.003%). This variant has not been reported in the literature in individuals affected with LIG1-related conditions. An algorithm developed to predict the effect of missense changes on protein structure and function outputs the following: PolyPhen-2: "Benign". The serine amino acid residue is found in multiple mammalian species, which suggests that this missense change does not adversely affect protein function. In summary, the available evidence is currently insufficient to determine the role of this variant in disease. Therefore, it has been classified as a Variant of Uncertain Significance.